The following is an entry in ClinVar:

ClinVar aggregate classification (germline): Uncertain significance. Review status: criteria provided, multiple submitters, no conflicts (2 of 4 stars). 3 submissions from 3 submitters: Uncertain significance (3). Last evaluated 2026-01-22.

Conditions:
VPS13B-related disorder. Also called: VPS13B-related condition.
Cohen syndrome (COH1). Also called: PEPPER SYNDROME; Cutis verticis gyrata, retinitis pigmentosa, and sensorineural deafness. Identifiers: Orphanet 193, MedGen C0265223, MONDO:0008999, OMIM 216550.

gnomAD v4.1: 25 of 1,614,068 alleles (0.0015%); highest among the groups gnomAD compares: South Asian, 0.0022%; no homozygotes.

Submissions (3):

PreventionGenetics, part of Exact Sciences
Classification: Uncertain significance for VPS13B-related condition. Last evaluated: 2026-01-22. Review status: criteria provided, single submitter. Criteria: ACMG Guidelines, 2015. Collection method: clinical testing. Allele origin: germline.
Comment: The VPS13B c.11243C>T variant is predicted to result in the amino acid substitution p.Pro3748Leu. To our knowledge, this variant has not been reported in the literature. This variant is reported in 0.00088% of alleles in individuals of European (Non-Finnish) descent in gnomAD. At this time, the clinical significance of this variant is uncertain due to the absence of conclusive functional and genetic evidence.

Blueprint Genetics
Classification: Uncertain significance. Last evaluated: 2023-03-28. Review status: criteria provided, single submitter. Criteria: ACMG Guidelines, 2015. Collection method: clinical testing. Allele origin: germline.

Labcorp Genetics (formerly Invitae), Labcorp
Classification: Uncertain significance for Cohen syndrome. Last evaluated: 2021-12-03. Review status: criteria provided, single submitter. Criteria: Invitae Variant Classification Sherloc (09022015). Collection method: clinical testing. Allele origin: germline.
Comment: This sequence change replaces proline, which is neutral and non-polar, with leucine, which is neutral and non-polar, at codon 3773 of the VPS13B protein (p.Pro3773Leu). This variant is present in population databases (no rsID available, gnomAD 0.0009%). This variant has not been reported in the literature in individuals affected with VPS13B-related conditions. Algorithms developed to predict the effect of missense changes on protein structure and function are either unavailable or do not agree on the potential impact of this missense change (SIFT: "Not Available"; PolyPhen-2: "Benign"; Align-GVGD: "Not Available"). In summary, the available evidence is currently insufficient to determine the role of this variant in disease. Therefore, it has been classified as a Variant of Uncertain Significance.

NM_152564.5(VPS13B):c.11243C>T (p.Pro3748Leu)

Gene: VPS13B (vacuolar protein sorting 13 homolog B; plus strand). Cytogenetic location: 8q22.2.
Variant type: single nucleotide variant.
Coding change: c.11243C>T on transcript NM_152564.5 (MANE Select); coding-DNA position 11243, C replaced by T.
Protein change: p.Pro3748Leu; replaces proline 3748 with leucine.
Molecular consequence: missense variant.
Genome position (GRCh38, 1-based): chr8:99,868,316, C>T. VCF-style: chr8-99868316-C-T. GRCh37 (hg19) VCF-style: chr8-100880544-C-T.
Other names: c.11318C>T, p.Pro3773Leu (NM_017890.5); short protein forms P3773L, P3748L.
Identifiers: ClinVar variation 2136312 (VCV002136312.3), dbSNP rs1210353554, ClinGen allele CA371791802.